The following is an entry in ClinVar:

ClinVar aggregate classification (germline): Benign (0 of 4 stars; one submission).

Conditions:
NAT2-related disorder. Also called: NAT2-related condition.

Allele frequency attached by ClinVar (database versions not stated): gnomAD exomes 0.32763 and 0.34198; ExAC 0.34489; ESP Exome Variant Server 0.35737; gnomAD 0.35844 and 0.35979; TOPMed 0.36327; 1000 Genomes Project 30x 0.39272; 1000 Genomes Project 0.39736.

Submissions (2):

PreventionGenetics, part of Exact Sciences
Classification: Benign for NAT2-related condition. Last evaluated: 2023-03-29. Review status: no assertion criteria provided. Collection method: clinical testing. Allele origin: germline.
Comment: This variant is classified as benign based on ACMG/AMP sequence variant interpretation guidelines (Richards et al. 2015 PMID: 25741868, with internal and published modifications).

Dr. Peter K. Rogan Lab, Western University
No classification provided (evidence only). Condition: Familial cancer of breast. Review status: no classification provided. Collection method: in vitro. Allele origin: not applicable. Functional consequence: retained intron. Not counted in ClinVar's aggregate classification.

NM_000015.3(NAT2):c.282C>T (p.Tyr94=)

Gene: NAT2 (N-acetyltransferase 2; plus strand). Cytogenetic location: 8p22.
Variant type: single nucleotide variant.
Coding change: c.282C>T on transcript NM_000015.3 (MANE Select); coding-DNA position 282, C replaced by T.
Protein change: p.Tyr94=; no amino-acid change (tyrosine 94 retained).
Molecular consequence: synonymous variant.
Genome position (GRCh38, 1-based): chr8:18,400,285, C>T. VCF-style: chr8-18400285-C-T. GRCh37 (hg19) VCF-style: chr8-18257795-C-T.
Other names: c.282C>T (NM_000015.2).
Identifiers: ClinVar variation 3060182 (VCV003060182.3), dbSNP rs1041983, ClinGen allele CA4651588.